The following is an entry in ClinVar:

ClinVar aggregate classification (germline): Uncertain significance (1 of 4 stars; one submission).

Submission:

Ambry Genetics
Classification: Uncertain significance. Last evaluated: 2024-05-18. Review status: criteria provided, single submitter. Criteria: Ambry Variant Classification Scheme 2023. Collection method: clinical testing. Allele origin: germline.
Comment: The p.G341S variant (also known as c.1021G>A), located in coding exon 3 of the TERF2IP gene, results from a G to A substitution at nucleotide position 1021. The glycine at codon 341 is replaced by serine, an amino acid with similar properties. This amino acid position is conserved. In addition, the in silico prediction for this alteration is inconclusive. Based on the available evidence, the clinical significance of this variant remains unclear.

NM_018975.4(TERF2IP):c.1021G>A (p.Gly341Ser)

Gene: TERF2IP (TERF2 interacting protein; plus strand). Cytogenetic location: 16q23.1.
Variant type: single nucleotide variant.
Coding change: c.1021G>A on transcript NM_018975.4 (MANE Select); coding-DNA position 1021, G replaced by A.
Protein change: p.Gly341Ser; replaces glycine 341 with serine.
Molecular consequence: missense variant. On other transcripts: non-coding transcript variant (1).
Genome position (GRCh38, 1-based): chr16:75,656,432, G>A. VCF-style: chr16-75656432-G-A. GRCh37 (hg19) VCF-style: chr16-75690330-G-A.
Other names: short protein forms G341S.
Identifiers: ClinVar variation 3325443 (VCV003325443.1).
Genomic context (GRCh38, chr16:75,656,432, plus strand): 5'-TTAATGGAGAAGTTTAACTTGGATCTATCAACAGTTACACAGGCCTTCCTAAAAAATAGT[G>A]GTGAGCTGGAGGCTACTTCCGCCTTCTTAGCGTCTGGTCAGAGAGCTGATGGATATCCCA-3'
Protein context (NP_061848.2, residues 331-351): TVTQAFLKNS[Gly341Ser]ELEATSAFLA